The following is an entry in ClinVar:

ClinVar aggregate classification (germline): Uncertain significance (1 of 4 stars; one submission).

Conditions:
Carnitine palmitoyltransferase II deficiency. Also called: Carnitine Palmitoyltransferase 2 Deficiency. Identifiers: Orphanet 157, MedGen C0342790, MONDO:0015515.

Submission:

Labcorp Genetics (formerly Invitae), Labcorp
Classification: Uncertain significance for Carnitine palmitoyltransferase II deficiency. Last evaluated: 2024-02-19. Review status: criteria provided, single submitter. Criteria: Invitae Variant Classification Sherloc (09022015). Collection method: clinical testing. Allele origin: germline.
Comment: This sequence change falls in intron 3 of the CPT2 gene. It does not directly change the encoded amino acid sequence of the CPT2 protein. It affects a nucleotide within the consensus splice site. This variant is not present in population databases (gnomAD no frequency). This variant has not been reported in the literature in individuals affected with CPT2-related conditions. ClinVar contains an entry for this variant (Variation ID: 1473351). Variants that disrupt the consensus splice site are a relatively common cause of aberrant splicing (PMID: 17576681, 9536098). Algorithms developed to predict the effect of sequence changes on RNA splicing suggest that this variant may disrupt the consensus splice site. In summary, the available evidence is currently insufficient to determine the role of this variant in disease. Therefore, it has been classified as a Variant of Uncertain Significance.

Literature cited by the submitters: PubMed 17576681; PubMed 9536098.

NM_000098.3(CPT2):c.340+5_340+14del

Gene: CPT2 (carnitine palmitoyltransferase 2; plus strand). Cytogenetic location: 1p32.3.
Variant type: Deletion.
Coding change: c.340+5_340+14del on transcript NM_000098.3 (MANE Select); bases 5 to 14 of the intron after coding-DNA position 340, 10 bases deleted (GTAGGCTGGG; older notation c.340+5_340+14delGTAGGCTGGG).
Molecular consequence: intron variant.
Genome position (GRCh38, 1-based): chr1:53,202,434-53,202,443, GTAGGCTGGG deleted; deleting any 10 consecutive bases within chr1:53,202,433-53,202,443 gives the same sequence; the c. name uses the placement nearest the transcript's 3' end. VCF-style (leftmost placement, unchanged base first): chr1-53202432-AGGTAGGCTGG-A. GRCh37 (hg19) VCF-style: chr1-53668104-AGGTAGGCTGG-A.
Other names: c.340+5_340+14del (NM_001330589.2).
Identifiers: ClinVar variation 1473351 (VCV001473351.6), dbSNP rs2100261965, ClinGen allele CA2573132419.